The following is an entry in ClinVar:

ClinVar aggregate classification (germline): Uncertain significance (1 of 4 stars; one submission).

Submission:

Ambry Genetics
Classification: Uncertain significance. Last evaluated: 2025-09-28. Review status: criteria provided, single submitter. Criteria: Ambry Variant Classification Scheme 2023. Collection method: clinical testing. Allele origin: germline.
Comment: The p.P802S variant (also known as c.2404C>T), located in coding exon 11 of the WNK2 gene, results from a C to T substitution at nucleotide position 2404. The proline at codon 802 is replaced by serine, an amino acid with similar properties. This amino acid position is conserved. In addition, the in silico prediction for this alteration is inconclusive. Based on the available evidence, the clinical significance of this variant remains unclear.

NM_006648.4(WNK2):c.2404C>T (p.Pro802Ser)

Gene: WNK2 (WNK lysine deficient protein kinase 2; plus strand). Cytogenetic location: 9q22.31.
Variant type: single nucleotide variant.
Coding change: c.2404C>T on transcript NM_006648.4 (MANE Select); coding-DNA position 2404, C replaced by T.
Protein change: p.Pro802Ser; replaces proline 802 with serine.
Molecular consequence: missense variant.
Genome position (GRCh38, 1-based): chr9:93,258,952, C>T. VCF-style: chr9-93258952-C-T. GRCh37 (hg19) VCF-style: chr9-96021234-C-T.
Other names: c.2404C>T, p.Pro802Ser (NM_001282394.3); short protein forms P802S.
Identifiers: ClinVar variation 4605208 (VCV004605208.1).
Genomic context (GRCh38, chr9:93,258,952, plus strand): 5'-GTTGGGGCCCACACTGACACACTCCTGTGTCTCTTTCAGATGCCCCCGATTCCTGTTGTG[C>T]CCCCCATCACGCCCCTGGCGGGAATCGACGGCCTCCCTCCGGCCCTCCCAGACCTGCCGA-3'
Protein context (NP_006639.3, residues 792-812): PPQMPPIPVV[Pro802Ser]PITPLAGIDG